The following is an entry in ClinVar:

ClinVar aggregate classification (germline): Conflicting classifications of pathogenicity. Review status: criteria provided, conflicting classifications (1 of 4 stars). 5 submissions from 5 submitters: Likely pathogenic (1); Uncertain significance (3). 1 of the submissions does not count toward it. Last evaluated 2021-09-01.

Conditions:
Wilson disease (WND). Also called: Wilson's disease. Identifiers: Orphanet 905, MedGen C0019202, MONDO:0010200, OMIM 277900. Disease mechanism: loss of function.

Allele frequency attached by ClinVar (database versions not stated): gnomAD exomes below 0.00001 and 0.00001; gnomAD 0.00001; TOPMed 0.00001.
gnomAD v4.1: 12 of 1,614,114 alleles (0.00074%); highest among the groups gnomAD compares: Middle Eastern, 0.033%; no homozygotes.

Submissions (5):

Labcorp Genetics (formerly Invitae), Labcorp
Classification: Uncertain significance for Wilson disease. Last evaluated: 2021-09-01. Review status: criteria provided, single submitter. Criteria: Invitae Variant Classification Sherloc (09022015). Collection method: clinical testing. Allele origin: germline.
Comment: This sequence change replaces threonine with isoleucine at codon 1232 of the ATP7B protein (p.Thr1232Ile). The threonine residue is moderately conserved and there is a moderate physicochemical difference between threonine and isoleucine. This variant is not present in population databases (ExAC no frequency). This variant has not been reported in the literature in individuals affected with ATP7B-related conditions. Algorithms developed to predict the effect of missense changes on protein structure and function are either unavailable or do not agree on the potential impact of this missense change (SIFT: "Tolerated"; PolyPhen-2: "Probably Damaging"; Align-GVGD: "Class C0"). This variant disrupts the p.Thr1232 amino acid residue in ATP7B. Other variant(s) that disrupt this residue have been determined to be pathogenic (PMID: 15024742, 15337266, 15952988). This suggests that this residue is clinically significant, and that variants that disrupt this residue are likely to be disease-causing. In summary, the available evidence is currently insufficient to determine the role of this variant in disease. Therefore, it has been classified as a Variant of Uncertain Significance.

Fulgent Genetics
Classification: Uncertain significance for Wilson disease. Last evaluated: 2021-07-09. Review status: criteria provided, single submitter. Criteria: ACMG Guidelines, 2015. Collection method: clinical testing. Allele origin: unknown.

Breakthrough Genomics
Classification: Uncertain significance. Review status: criteria provided, single submitter. Criteria: ACMG Guidelines, 2015. Collection method: not provided. Allele origin: germline. Inheritance: Autosomal recessive inheritance. Affected: yes.

Kariminejad - Najmabadi Pathology & Genetics Center
Classification: Likely pathogenic for Wilson disease. Review status: criteria provided, single submitter. Criteria: ACMG Guidelines, 2015. Collection method: clinical testing. Allele origin: germline. Affected: no.

Natera, Inc.
Classification: Uncertain significance for Wilson disease. Last evaluated: 2020-09-16. Review status: no assertion criteria provided. Collection method: clinical testing. Allele origin: germline. Not counted in ClinVar's aggregate classification.

Literature cited by the submitters: PubMed 15024742 (cited by Labcorp Genetics (formerly Invitae), Labcorp); PubMed 15337266 (cited by Labcorp Genetics (formerly Invitae), Labcorp); PubMed 15952988 (cited by Labcorp Genetics (formerly Invitae), Labcorp).

NM_000053.4(ATP7B):c.3695C>T (p.Thr1232Ile)

Gene: ATP7B (ATPase copper transporting beta; minus strand). Cytogenetic location: 13q14.3.
Variant type: single nucleotide variant.
Coding change: c.3695C>T on transcript NM_000053.4 (MANE Select); coding-DNA position 3695, C replaced by T.
Protein change: p.Thr1232Ile; replaces threonine 1232 with isoleucine.
Molecular consequence: missense variant.
Genome position (GRCh38, 1-based): chr13:51,939,055, G>A on the plus strand (C>T on the coding strand, the complement: ATP7B is on the minus strand). VCF-style: chr13-51939055-G-A. GRCh37 (hg19) VCF-style: chr13-52513191-G-A.
Other names: c.3074C>T, p.Thr1025Ile (NM_001005918.3); c.3362C>T, p.Thr1121Ile (NM_001243182.2); c.3461C>T, p.Thr1154Ile (NM_001330578.2); c.3443C>T, p.Thr1148Ile (NM_001330579.2); short protein forms T1148I, T1232I, T1025I, T1121I, T1154I.
Identifiers: ClinVar variation 862186 (VCV000862186.9), dbSNP rs1345433491, ClinGen allele CA388023539.